The following is an entry in ClinVar:

ClinVar aggregate classification (germline): Uncertain significance. Review status: criteria provided, multiple submitters, no conflicts (2 of 4 stars). 4 submissions from 4 submitters: Uncertain significance (4). Last evaluated 2024-12-03.

Conditions:
CNGB1-related disorder. Also called: CNGB1-related condition.
Inborn genetic diseases. Identifiers: MedGen C0950123, MeSH D030342.

Allele frequency attached by ClinVar (database versions not stated): ExAC 0.00001.
gnomAD v4.1: 25 of 1,613,962 alleles (0.0015%); highest among the groups gnomAD compares: Admixed American, 0.02%; no homozygotes.

Submissions (4):

PreventionGenetics, part of Exact Sciences
Classification: Uncertain significance for CNGB1-related condition. Last evaluated: 2024-12-03. Review status: criteria provided, single submitter. Criteria: ACMG Guidelines, 2015. Collection method: clinical testing. Allele origin: germline.
Comment: The CNGB1 c.2989C>T variant is predicted to result in the amino acid substitution p.Arg997Cys. To our knowledge, this variant has not been reported in the literature. This variant is reported in 0.014% of alleles in individuals of Latino descent in gnomAD. At this time, the clinical significance of this variant is uncertain due to the absence of conclusive functional and genetic evidence.

Blueprint Genetics
Classification: Uncertain significance. Last evaluated: 2023-12-15. Review status: criteria provided, single submitter. Criteria: ACMG Guidelines, 2015. Collection method: clinical testing. Allele origin: germline.

Ambry Genetics
Classification: Uncertain significance for Inborn genetic diseases. Last evaluated: 2023-11-17. Review status: criteria provided, single submitter. Criteria: Ambry Variant Classification Scheme 2023. Collection method: clinical testing. Allele origin: germline.

Labcorp Genetics (formerly Invitae), Labcorp
Classification: Uncertain significance. Last evaluated: 2023-10-13. Review status: criteria provided, single submitter. Criteria: Invitae Variant Classification Sherloc (09022015). Collection method: clinical testing. Allele origin: germline.
Comment: This sequence change replaces arginine, which is basic and polar, with cysteine, which is neutral and slightly polar, at codon 997 of the CNGB1 protein (p.Arg997Cys). This variant is present in population databases (rs781615372, gnomAD 0.01%). This variant has not been reported in the literature in individuals affected with CNGB1-related conditions. ClinVar contains an entry for this variant (Variation ID: 2189524). Advanced modeling of protein sequence and biophysical properties (such as structural, functional, and spatial information, amino acid conservation, physicochemical variation, residue mobility, and thermodynamic stability) performed at Invitae indicates that this missense variant is expected to disrupt CNGB1 protein function. In summary, the available evidence is currently insufficient to determine the role of this variant in disease. Therefore, it has been classified as a Variant of Uncertain Significance.

NM_001297.5(CNGB1):c.2989C>T (p.Arg997Cys)

Gene: CNGB1 (cyclic nucleotide gated channel subunit beta 1; minus strand). Cytogenetic location: 16q21.
Variant type: single nucleotide variant.
Coding change: c.2989C>T on transcript NM_001297.5 (MANE Select); coding-DNA position 2989, C replaced by T.
Protein change: p.Arg997Cys; replaces arginine 997 with cysteine.
Molecular consequence: missense variant.
Genome position (GRCh38, 1-based): chr16:57,897,902, G>A on the plus strand (C>T on the coding strand, the complement: CNGB1 is on the minus strand). VCF-style: chr16-57897902-G-A. GRCh37 (hg19) VCF-style: chr16-57931806-G-A.
Other names: c.2971C>T, p.Arg991Cys (NM_001286130.2); c.2989C>T (NM_001297.4); short protein forms R991C, R997C.
Identifiers: ClinVar variation 2189524 (VCV002189524.5), dbSNP rs781615372, ClinGen allele CA8082720.